The following is an entry in ClinVar:

ClinVar aggregate classification (germline): Uncertain significance (1 of 4 stars; one submission).

Conditions:
Neurofibromatosis, type 1 (NF1). Also called: Peripheral type neurofibromatosis; VON RECKLINGHAUSEN DISEASE; Neurofibromatosis, type I; NEUROFIBROMATOSIS, TYPE I, SOMATIC. Identifiers: Orphanet 636, MedGen C0027831, MONDO:0018975, OMIM 162200. Disease mechanism: loss of function.

Submission:

Labcorp Genetics (formerly Invitae), Labcorp
Classification: Uncertain significance for Neurofibromatosis, type 1. Last evaluated: 2021-12-11. Review status: criteria provided, single submitter. Criteria: Invitae Variant Classification Sherloc (09022015). Collection method: clinical testing. Allele origin: germline.
Comment: ClinVar contains an entry for this variant (Variation ID: 939215). In summary, the available evidence is currently insufficient to determine the role of this variant in disease. Therefore, it has been classified as a Variant of Uncertain Significance. Advanced modeling of protein sequence and biophysical properties (such as structural, functional, and spatial information, amino acid conservation, physicochemical variation, residue mobility, and thermodynamic stability) performed at Invitae indicates that this missense variant is expected to disrupt NF1 protein function. This missense change has been observed in individual(s) with clinical features of NF1-related conditions (PMID: 21520333). This variant is not present in population databases (gnomAD no frequency). This sequence change replaces alanine, which is neutral and non-polar, with proline, which is neutral and non-polar, at codon 2623 of the NF1 protein (p.Ala2623Pro).

Literature cited by the submitters: PubMed 21520333.

NM_001042492.3(NF1):c.7930G>C (p.Ala2644Pro)

Gene: NF1 (neurofibromin 1; plus strand). Cytogenetic location: 17q11.2.
Variant type: single nucleotide variant.
Coding change: c.7930G>C on transcript NM_001042492.3 (MANE Select); coding-DNA position 7930, G replaced by C.
Protein change: p.Ala2644Pro; replaces alanine 2644 with proline.
Molecular consequence: missense variant.
Genome position (GRCh38, 1-based): chr17:31,357,329, G>C. VCF-style: chr17-31357329-G-C. GRCh37 (hg19) VCF-style: chr17-29684347-G-C.
Other names: c.7867G>C, p.Ala2623Pro (NM_000267.4); short protein forms A2644P, A2623P.
Identifiers: ClinVar variation 939215 (VCV000939215.6), dbSNP rs2070298197, ClinGen allele CA399203483.